The following is an entry in ClinVar:

ClinVar aggregate classification (germline): Uncertain significance (1 of 4 stars; one submission).

Conditions:
Cardiovascular phenotype. Identifiers: MedGen CN230736.

gnomAD v4.1: 6 of 1,613,922 alleles (0.00037%); highest among the groups gnomAD compares: Non-Finnish European, 0.00051%; no homozygotes.

Submission:

Molecular Diagnostic Laboratory for Inherited Cardiovascular Disease, Montreal Heart Institute
Classification: Uncertain significance for Cardiovascular phenotype. Last evaluated: 2025-04-09. Review status: criteria provided, single submitter. Criteria: ACMG Guidelines, 2015. Collection method: clinical testing. Allele origin: germline. Affected: yes.
Comment: PM2

NM_024422.6(DSC2):c.1787C>G (p.Ala596Gly)

Gene: DSC2 (desmocollin 2; minus strand). Cytogenetic location: 18q12.1.
Variant type: single nucleotide variant.
Coding change: c.1787C>G on transcript NM_024422.6 (MANE Select); coding-DNA position 1787, C replaced by G.
Protein change: p.Ala596Gly; replaces alanine 596 with glycine.
Molecular consequence: missense variant.
Genome position (GRCh38, 1-based): chr18:31,074,784, G>C on the plus strand (C>G on the coding strand, the complement: DSC2 is on the minus strand). VCF-style: chr18-31074784-G-C. GRCh37 (hg19) VCF-style: chr18-28654750-G-C.
Other names: c.1358C>G, p.Ala453Gly (NM_001406506.1, NM_001406507.1); c.1787C>G, p.Ala596Gly (NM_004949.5); short protein forms A453G, A596G.
Identifiers: ClinVar variation 3895369 (VCV003895369.1), dbSNP rs148185335.